The following is an entry in ClinVar:

NM_000036.3(AMPD1):c.122_137del (p.Phe41fs)

Gene: AMPD1 (adenosine monophosphate deaminase 1; minus strand). Cytogenetic location: 1p13.2.
Variant type: Deletion.
Coding change: c.122_137del on transcript NM_000036.3 (MANE Select); coding-DNA positions 122 to 137, 16 bases deleted (TTGATGTGGATGAGAT).
Protein change: p.Phe41fs; shifts the reading frame from phenylalanine 41.
Molecular consequence: frameshift variant.
Genome position (GRCh38, 1-based): chr1:114,688,639-114,688,654, ATCTCATCCACATCAA deleted on the plus strand (TTGATGTGGATGAGAT on the coding strand, the reverse complement: AMPD1 is on the minus strand); deleting any 16 consecutive bases within chr1:114,688,639-114,688,655 gives the same sequence; the c. name uses the placement nearest the transcript's 3' end. VCF-style (leftmost placement, unchanged base first): chr1-114688638-GATCTCATCCACATCAA-G. GRCh37 (hg19) VCF-style: chr1-115231259-GATCTCATCCACATCAA-G.
Other names: c.110_125del, p.Phe37fs (NM_001172626.2); short protein forms F37fs, F41fs.
Identifiers: ClinVar variation 4850256 (VCV004850256.1).

ClinVar aggregate classification (germline): Likely pathogenic (1 of 4 stars; one submission).

Conditions:
Muscle AMP deaminase deficiency (MMDD). Also called: Myoadenylate deaminase deficiency, myopathy due to; Adenosine monophosphate deaminase 1 deficiency; AMP deaminase 1 deficiency; Adenosine Monophosphate Deaminase 1; AMPD1 DEFICIENCY; ADENOSINE MONOPHOSPHATE DEAMINASE-1 DEFICIENCY, MYOPATHY DUE TO. Identifiers: Orphanet 45, MedGen C3714933, MONDO:0014220, OMIM 615511.

Submission:

First Genomix Gene Laboratory, Genetic Diagnostics Department
Classification: Likely pathogenic for Muscle AMP deaminase deficiency. Last evaluated: 2025-09-02. Review status: criteria provided, single submitter. Criteria: ACMG Guidelines, 2015. Collection method: clinical testing. Allele origin: germline. Inheritance: Autosomal recessive inheritance. Affected: no. Observed: 1 variant allele.